The following is an entry in ClinVar:

NM_001291303.3(FAT4):c.14069G>A (p.Ser4690Asn)

Gene: FAT4 (FAT atypical cadherin 4; plus strand). Cytogenetic location: 4q28.1.
Variant type: single nucleotide variant.
Coding change: c.14069G>A on transcript NM_001291303.3 (MANE Select); coding-DNA position 14069, G replaced by A.
Protein change: p.Ser4690Asn; replaces serine 4690 with asparagine.
Molecular consequence: missense variant.
Genome position (GRCh38, 1-based): chr4:125,490,885, G>A. VCF-style: chr4-125490885-G-A. GRCh37 (hg19) VCF-style: chr4-126412040-G-A.
Other names: c.14066G>A, p.Ser4689Asn (NM_001291285.3); c.14063G>A, p.Ser4688Asn (NM_024582.6); short protein forms S4689N, S4690N, S4688N.
Identifiers: ClinVar variation 2126012 (VCV002126012.4), dbSNP rs2530087588, ClinGen allele CA358140637.

ClinVar aggregate classification (germline): Uncertain significance (1 of 4 stars; one submission).

Submission:

Labcorp Genetics (formerly Invitae), Labcorp
Classification: Uncertain significance. Last evaluated: 2022-04-13. Review status: criteria provided, single submitter. Criteria: Invitae Variant Classification Sherloc (09022015). Collection method: clinical testing. Allele origin: germline.
Comment: In summary, the available evidence is currently insufficient to determine the role of this variant in disease. Therefore, it has been classified as a Variant of Uncertain Significance. Advanced modeling of protein sequence and biophysical properties (such as structural, functional, and spatial information, amino acid conservation, physicochemical variation, residue mobility, and thermodynamic stability) performed at Invitae indicates that this missense variant is not expected to disrupt FAT4 protein function. This variant has not been reported in the literature in individuals affected with FAT4-related conditions. This variant is not present in population databases (gnomAD no frequency). This sequence change replaces serine, which is neutral and polar, with asparagine, which is neutral and polar, at codon 4688 of the FAT4 protein (p.Ser4688Asn).